The following is an entry in ClinVar:

NM_000918.4(P4HB):c.731C>T (p.Thr244Ile)

Gene: P4HB (prolyl 4-hydroxylase subunit beta; minus strand). Cytogenetic location: 17q25.3.
Variant type: single nucleotide variant.
Coding change: c.731C>T on transcript NM_000918.4 (MANE Select); coding-DNA position 731, C replaced by T.
Protein change: p.Thr244Ile; replaces threonine 244 with isoleucine.
Molecular consequence: missense variant.
Genome position (GRCh38, 1-based): chr17:81,847,071, G>A on the plus strand (C>T on the coding strand, the complement: P4HB is on the minus strand). VCF-style: chr17-81847071-G-A. GRCh37 (hg19) VCF-style: chr17-79804947-G-A.
Other names: short protein forms T244I.
Identifiers: ClinVar variation 3622927 (VCV003622927.2).
Genomic context (GRCh38, chr17:81,847,071, plus strand): 5'-CTCTTGGGCAAGAACAGCAGGATGTGAGTCTTGATTTCACCTCCAAAAATCTTCGGGGCT[G>A]TCTGTGTTATAAACTTAAGTTACTGGGTCTGAGTCACACACTATTAATGCAGAAGATTCT-3'
Protein context (NP_000909.2, residues 234-254): LPLVIEFTEQ[Thr244Ile]APKIFGGEIK

ClinVar aggregate classification (germline): Uncertain significance (1 of 4 stars; one submission).

gnomAD v4.1: 1 of 1,614,020 alleles (0.000062%); highest among the groups gnomAD compares: Non-Finnish European, 0.000085%; no homozygotes.

Submission:

Labcorp Genetics (formerly Invitae), Labcorp
Classification: Uncertain significance. Last evaluated: 2024-06-30. Review status: criteria provided, single submitter. Criteria: Invitae Variant Classification Sherloc (09022015). Collection method: clinical testing. Allele origin: germline.
Comment: This sequence change replaces threonine, which is neutral and polar, with isoleucine, which is neutral and non-polar, at codon 244 of the P4HB protein (p.Thr244Ile). This variant is present in population databases (no rsID available, gnomAD 0.0009%). This variant has not been reported in the literature in individuals affected with P4HB-related conditions. An algorithm developed to predict the effect of missense changes on protein structure and function (PolyPhen-2) suggests that this variant is likely to be disruptive. In summary, the available evidence is currently insufficient to determine the role of this variant in disease. Therefore, it has been classified as a Variant of Uncertain Significance.